The following is an entry in ClinVar:

NM_145059.3(FCSK):c.2351G>A (p.Arg784Gln)

Gene: FCSK (fucose kinase; plus strand). Cytogenetic location: 16q22.1.
Variant type: single nucleotide variant.
Coding change: c.2351G>A on transcript NM_145059.3 (MANE Select); coding-DNA position 2351, G replaced by A.
Protein change: p.Arg784Gln; replaces arginine 784 with glutamine.
Molecular consequence: missense variant.
Genome position (GRCh38, 1-based): chr16:70,474,985, G>A. VCF-style: chr16-70474985-G-A. GRCh37 (hg19) VCF-style: chr16-70508888-G-A.
Other names: short protein forms R784Q.
Identifiers: ClinVar variation 2631959 (VCV002631959.5), dbSNP rs368736266, ClinGen allele CA8143565.

ClinVar aggregate classification (germline): Conflicting classifications of pathogenicity. Review status: criteria provided, conflicting classifications (1 of 4 stars). 3 submissions from 3 submitters: Uncertain significance (2); Likely benign (1). Last evaluated 2024-10-17.

Conditions:
FCSK-related disorder. Also called: FCSK-related condition.

Allele frequency attached by ClinVar (database versions not stated): ESP Exome Variant Server 0.00008; gnomAD 0.00012; TOPMed 0.00012.
gnomAD v4.1: 56 of 1,607,338 alleles (0.0035%); highest among the groups gnomAD compares: Middle Eastern, 0.051%; no homozygotes.

Submissions (3):

Labcorp Genetics (formerly Invitae), Labcorp
Classification: Uncertain significance. Last evaluated: 2024-10-17. Review status: criteria provided, single submitter. Criteria: Invitae Variant Classification Sherloc (09022015). Collection method: clinical testing. Allele origin: germline.
Comment: This sequence change replaces arginine, which is basic and polar, with glutamine, which is neutral and polar, at codon 784 of the FUK protein (p.Arg784Gln). This variant is present in population databases (rs368736266, gnomAD 0.02%). This variant has not been reported in the literature in individuals affected with FUK-related conditions. ClinVar contains an entry for this variant (Variation ID: 2631959). An algorithm developed to predict the effect of missense changes on protein structure and function outputs the following: PolyPhen-2: "Benign". The glutamine amino acid residue is found in multiple mammalian species, which suggests that this missense change does not adversely affect protein function. In summary, the available evidence is currently insufficient to determine the role of this variant in disease. Therefore, it has been classified as a Variant of Uncertain Significance.

Ambry Genetics
Classification: Likely benign. Last evaluated: 2024-08-05. Review status: criteria provided, single submitter. Criteria: Ambry Variant Classification Scheme 2023. Collection method: clinical testing. Allele origin: germline.

PreventionGenetics, part of Exact Sciences
Classification: Uncertain significance for FCSK-related condition. Last evaluated: 2022-11-09. Review status: criteria provided, single submitter. Criteria: ACMG Guidelines, 2015. Collection method: clinical testing. Allele origin: germline.
Comment: The FCSK c.2351G>A variant is predicted to result in the amino acid substitution p.Arg784Gln. To our knowledge, this variant has not been reported in the literature. This variant is reported in 0.018% of alleles in individuals of African descent in gnomAD. At this time, the clinical significance of this variant is uncertain due to the absence of conclusive functional and genetic evidence.